The following is an entry in ClinVar:

NM_001148.6(ANK2):c.6713A>G (p.Glu2238Gly)

Gene: ANK2 (ankyrin 2; plus strand). Cytogenetic location: 4q26.
Variant type: single nucleotide variant.
Coding change: c.6713A>G on transcript NM_001148.6 (MANE Select); coding-DNA position 6713, A replaced by G.
Protein change: p.Glu2238Gly; replaces glutamic acid 2238 with glycine.
Molecular consequence: missense variant. On other transcripts: intron variant (68).
Genome position (GRCh38, 1-based): chr4:113,355,331, A>G. VCF-style: chr4-113355331-A-G. GRCh37 (hg19) VCF-style: chr4-114276487-A-G.
Other names: c.6479A>G, p.Glu2160Gly (NM_001386142.1); c.3113A>G, p.Glu1038Gly (NM_001386166.1); c.6854A>G, p.Glu2285Gly (NM_001386174.1); c.6830A>G, p.Glu2277Gly (NM_001386175.1); c.4411+5082A>G (NM_001386186.2, NM_001386148.2); c.4213+5082A>G (NM_001354269.3); c.4291+5082A>G (NM_001386187.2); c.4252+5082A>G (NM_001386147.1); and 35 more; short protein forms E1038G, E2285G, E2238G, E2277G, E2160G.
Identifiers: ClinVar variation 4613561 (VCV004613561.1).
Genomic context (GRCh38, chr4:113,355,331, plus strand): 5'-TGATGGAGGGGACCCCTCAGATTAGTTCAGAAGAAAGCTATAAGCATGAAGGCCTAGCAG[A>G]GACCCCTGAGACGAGCCCAGAAAGCCTTTCTTTCTCACCAAAGAAAAGTGAGGAGCAAAC-3'
Protein context (NP_001139.3, residues 2228-2248): EESYKHEGLA[Glu2238Gly]TPETSPESLS

ClinVar aggregate classification (germline): Uncertain significance (1 of 4 stars; one submission).

Conditions:
Cardiovascular phenotype. Identifiers: MedGen CN230736.

Submission:

Ambry Genetics
Classification: Uncertain significance for Cardiovascular phenotype. Last evaluated: 2025-11-07. Review status: criteria provided, single submitter. Criteria: Ambry Variant Classification Scheme 2023. Collection method: clinical testing. Allele origin: germline.
Comment: The p.E2238G variant (also known as c.6713A>G), located in coding exon 38 of the ANK2 gene, results from an A to G substitution at nucleotide position 6713. The glutamic acid at codon 2238 is replaced by glycine, an amino acid with similar properties. This amino acid position is conserved. In addition, the in silico prediction for this alteration is inconclusive. Based on the available evidence, the clinical significance of this variant remains unclear.